The following is an entry in ClinVar:

ClinVar aggregate classification (germline): Uncertain significance (1 of 4 stars; one submission).

Submission:

Labcorp Genetics (formerly Invitae), Labcorp
Classification: Uncertain significance. Last evaluated: 2021-08-15. Review status: criteria provided, single submitter. Criteria: Invitae Variant Classification Sherloc (09022015). Collection method: clinical testing. Allele origin: germline.
Comment: This sequence change replaces glycine with arginine at codon 871 of the ADGRV1 protein (p.Gly871Arg). The glycine residue is highly conserved and there is a moderate physicochemical difference between glycine and arginine. This variant is not present in population databases (ExAC no frequency). This variant has not been reported in the literature in individuals affected with ADGRV1-related conditions. Algorithms developed to predict the effect of missense changes on protein structure and function are either unavailable or do not agree on the potential impact of this missense change (SIFT: "Deleterious"; PolyPhen-2: "Probably Damaging"; Align-GVGD: "Class C0"). In summary, the available evidence is currently insufficient to determine the role of this variant in disease. Therefore, it has been classified as a Variant of Uncertain Significance.

NM_032119.4(ADGRV1):c.2611G>C (p.Gly871Arg)

Gene: ADGRV1 (adhesion G protein-coupled receptor V1; plus strand). Cytogenetic location: 5q14.3.
Variant type: single nucleotide variant.
Coding change: c.2611G>C on transcript NM_032119.4 (MANE Select); coding-DNA position 2611, G replaced by C.
Protein change: p.Gly871Arg; replaces glycine 871 with arginine.
Molecular consequence: missense variant. On other transcripts: non-coding transcript variant (1).
Genome position (GRCh38, 1-based): chr5:90,643,860, G>C. VCF-style: chr5-90643860-G-C. GRCh37 (hg19) VCF-style: chr5-89939677-G-C.
Other names: short protein forms G871R.
Identifiers: ClinVar variation 1373542 (VCV001373542.3), dbSNP rs2149433292, ClinGen allele CA360389261.